The following is an entry in ClinVar:

NM_004370.6(COL12A1):c.8464C>T (p.Arg2822Ter)

Gene: COL12A1 (collagen type XII alpha 1 chain; minus strand). Cytogenetic location: 6q13.
Variant type: single nucleotide variant.
Coding change: c.8464C>T on transcript NM_004370.6 (MANE Select); coding-DNA position 8464, C replaced by T.
Protein change: p.Arg2822Ter; replaces arginine 2822 with a stop codon.
Molecular consequence: nonsense.
Genome position (GRCh38, 1-based): chr6:75,102,004, G>A on the plus strand (C>T on the coding strand, the complement: COL12A1 is on the minus strand). VCF-style: chr6-75102004-G-A. GRCh37 (hg19) VCF-style: chr6-75811720-G-A.
Other names: c.4972C>T, p.Arg1658Ter (NM_080645.3); short protein forms R1658*, R2822*.
Identifiers: ClinVar variation 692031 (VCV000692031.5), dbSNP rs984314526, ClinGen allele CA364739172.
Genomic context (GRCh38, chr6:75,102,004, plus strand): 5'-TAGAAAAGGAAATTTTCAAATAGCACATGACAGGGCAACTTAGAGACCAACTCACTGTTC[G>A]GCCTGGAAGTCCTGGCTCTCCAGCATCACCTTTCATCCCTTGGCGACCCTAGAGTGAGCA-3'

ClinVar aggregate classification (germline): Pathogenic. Review status: criteria provided, multiple submitters, no conflicts (2 of 4 stars). 3 submissions from 3 submitters: Pathogenic (3). Last evaluated 2025-05-03.

Conditions:
Ullrich congenital muscular dystrophy 2 (UCMD2). Identifiers: Orphanet 75840, MedGen C4225314, MONDO:0014654, OMIM 616470.
Bethlem myopathy 2 (BTHLM2). Identifiers: Orphanet 536516, Orphanet 610, MedGen C4225313, MONDO:0034022, OMIM 616471.

gnomAD v4.1: 3 of 1,613,988 alleles (0.00019%); highest among the groups gnomAD compares: Non-Finnish European, 0.00025%; no homozygotes.

Submissions (3):

GeneDx
Classification: Pathogenic. Last evaluated: 2025-05-03. Review status: criteria provided, single submitter. Criteria: GeneDx Variant Classification Process June 2021. Collection method: clinical testing. Allele origin: germline. Affected: yes.
Comment: Nonsense variant predicted to result in protein truncation or nonsense mediated decay in a gene for which loss of function is a known mechanism of disease; Not observed at significant frequency in large population cohorts (gnomAD); Observed in heterozygous state in an individual with clinical features consistent with Bethlem myopathy (PMID: 34645491); This variant is associated with the following publications: (PMID: Neuhaus2019[abstract], 39923201, 34645491)

Labcorp Genetics (formerly Invitae), Labcorp
Classification: Pathogenic for Bethlem myopathy 2; Ullrich congenital muscular dystrophy 2. Last evaluated: 2023-09-17. Review status: criteria provided, single submitter. Criteria: Invitae Variant Classification Sherloc (09022015). Collection method: clinical testing. Allele origin: germline.
Comment: This sequence change creates a premature translational stop signal (p.Arg2822*) in the COL12A1 gene. It is expected to result in an absent or disrupted protein product. Loss-of-function variants in COL12A1 are known to be pathogenic (PMID: 24334604, 28973083). This variant is not present in population databases (gnomAD no frequency). This variant has not been reported in the literature in individuals affected with COL12A1-related conditions. ClinVar contains an entry for this variant (Variation ID: 692031). For these reasons, this variant has been classified as Pathogenic.

Rady Children's Institute for Genomic Medicine, Rady Children's Hospital San Diego
Classification: Pathogenic for ULLRICH CONGENITAL MUSCULAR DYSTROPHY 2. Last evaluated: 2018-05-21. Review status: criteria provided, single submitter. Criteria: ACMG Guidelines, 2015. Collection method: clinical testing. Allele origin: germline. Affected: yes. Observed: 1 variant allele.
Comment: This nonsense variant found in exon 57 of 66 is predicted to result in loss of normal protein function. This variant has not been previously reported or functionally characterized in the literature to our knowledge. It is absent from the ExAC and gnomAD population databases and thus is presumed to be rare. The c.8464C>T, p.Arg2822Ter variant is predicted by multiple in silico tools to have a deleterious effect on protein function. Based on the available evidence, the c.8464C>T, p.Arg2822Ter variant is classified as Pathogenic.

Literature cited by the submitters: PubMed 24334604 (cited by Labcorp Genetics (formerly Invitae), Labcorp); PubMed 28973083 (cited by Labcorp Genetics (formerly Invitae), Labcorp).